The following is an entry in ClinVar:

NM_018897.3(DNAH7):c.11059G>A (p.Gly3687Ser)

Gene: DNAH7 (dynein axonemal heavy chain 7; minus strand). Cytogenetic location: 2q32.3.
Variant type: single nucleotide variant.
Coding change: c.11059G>A on transcript NM_018897.3 (MANE Select); coding-DNA position 11059, G replaced by A.
Protein change: p.Gly3687Ser; replaces glycine 3687 with serine.
Molecular consequence: missense variant.
Genome position (GRCh38, 1-based): chr2:195,777,805, C>T on the plus strand (G>A on the coding strand, the complement: DNAH7 is on the minus strand). VCF-style: chr2-195777805-C-T. GRCh37 (hg19) VCF-style: chr2-196642529-C-T.
Other names: short protein forms G3687S.
Identifiers: ClinVar variation 3257420 (VCV003257420.17).

ClinVar aggregate classification (germline): Uncertain significance (1 of 4 stars; one submission).

Submission:

CeGaT Center for Human Genetics Tuebingen
Classification: Uncertain significance. Last evaluated: 2024-07-01. Review status: criteria provided, single submitter. Criteria: CeGaT Center For Human Genetics Tuebingen Variant Classification Criteria Version 2. Collection method: clinical testing. Allele origin: germline. Affected: yes. Observed: 1 variant allele.
Comment: DNAH7: PM2